The following is an entry in ClinVar:

NM_001793.6(CDH3):c.2240G>A (p.Arg747Gln)

Gene: CDH3 (cadherin 3; plus strand). Cytogenetic location: 16q22.1.
Variant type: single nucleotide variant.
Coding change: c.2240G>A on transcript NM_001793.6 (MANE Select); coding-DNA position 2240, G replaced by A.
Protein change: p.Arg747Gln; replaces arginine 747 with glutamine.
Molecular consequence: missense variant.
Genome position (GRCh38, 1-based): chr16:68,695,883, G>A. VCF-style: chr16-68695883-G-A. GRCh37 (hg19) VCF-style: chr16-68729786-G-A.
Other names: c.2240G>A, p.Arg747Gln (NM_001317195.3); c.2075G>A, p.Arg692Gln (NM_001317196.2); short protein forms R692Q, R747Q.
Identifiers: ClinVar variation 1008783 (VCV001008783.8), dbSNP rs772291014, ClinGen allele CA8129628.

ClinVar aggregate classification (germline): Uncertain significance. Review status: criteria provided, single submitter (1 of 4 stars). 2 submissions from 2 submitters: Uncertain significance (1). 1 of the submissions does not count toward it. Last evaluated 2020-04-09.

Conditions:
Retinal dystrophy. Also called: Inherited retinal dystrophy. Identifiers: Orphanet 71862, MedGen C0854723, MeSH D058499, MONDO:0019118, HP:0000556.

Allele frequency attached by ClinVar (database versions not stated): gnomAD exomes 0.00002; ExAC 0.00003; gnomAD 0.00003 and 0.00004; TOPMed 0.00005.
gnomAD v4.1: 24 of 1,613,944 alleles (0.0015%); highest among the groups gnomAD compares: African/African-American, 0.012%; no homozygotes.

Submissions (2):

Labcorp Genetics (formerly Invitae), Labcorp
Classification: Uncertain significance. Last evaluated: 2020-04-09. Review status: criteria provided, single submitter. Criteria: Invitae Variant Classification Sherloc (09022015). Collection method: clinical testing. Allele origin: germline.
Comment: This sequence change replaces arginine with glutamine at codon 747 of the CDH3 protein (p.Arg747Gln). The arginine residue is highly conserved and there is a small physicochemical difference between arginine and glutamine. This variant is present in population databases (rs772291014, ExAC 0.01%). This variant has not been reported in the literature in individuals with CDH3-related conditions. Algorithms developed to predict the effect of missense changes on protein structure and function are either unavailable or do not agree on the potential impact of this missense change (SIFT: "Not Available"; PolyPhen-2: "Probably Damaging"; Align-GVGD: "Not Available"). In summary, the available evidence is currently insufficient to determine the role of this variant in disease. Therefore, it has been classified as a Variant of Uncertain Significance.

Institute of Human Genetics, Univ. Regensburg, Univ. Regensburg
Classification: Uncertain significance for Retinal dystrophy. Last evaluated: 2020-01-01. Review status: no assertion criteria provided. Criteria: ACMG Guidelines, 2015. Collection method: clinical testing. Allele origin: germline. Affected: yes. Not counted in ClinVar's aggregate classification.